The following is an entry in ClinVar:

NM_004830.4(MED23):c.967G>A (p.Asp323Asn)

Gene: MED23 (mediator complex subunit 23; minus strand). Cytogenetic location: 6q23.2.
Variant type: single nucleotide variant.
Coding change: c.967G>A on transcript NM_004830.4 (MANE Select); coding-DNA position 967, G replaced by A.
Protein change: p.Asp323Asn; replaces aspartic acid 323 with asparagine.
Molecular consequence: missense variant. On other transcripts: intron variant (2).
Genome position (GRCh38, 1-based): chr6:131,610,156, C>T on the plus strand (G>A on the coding strand, the complement: MED23 is on the minus strand). VCF-style: chr6-131610156-C-T. GRCh37 (hg19) VCF-style: chr6-131931296-C-T.
Other names: c.967G>A, p.Asp323Asn (NM_001270521.2, NM_001270522.2, NM_001376519.1 and 3 more transcripts); c.985G>A, p.Asp329Asn (NM_001376517.1, NM_015979.4); c.913G>A, p.Asp305Asn (NM_001376518.1); c.781-69G>A (NM_001376523.1); c.895-69G>A (NM_001376520.1); short protein forms D323N, D305N, D329N.
Identifiers: ClinVar variation 1768424 (VCV001768424.2), dbSNP rs867833249, ClinGen allele CA147925174.

ClinVar aggregate classification (germline): Uncertain significance (1 of 4 stars; one submission).

Conditions:
Inborn genetic diseases. Identifiers: MedGen C0950123, MeSH D030342.

Allele frequency attached by ClinVar (database versions not stated): TOPMed below 0.00001; gnomAD 0.00001; gnomAD exomes 0.00002.
gnomAD v4.1: 31 of 1,614,034 alleles (0.0019%); highest among the groups gnomAD compares: Middle Eastern, 0.3%; no homozygotes.

Submission:

Ambry Genetics
Classification: Uncertain significance for Inborn genetic diseases. Last evaluated: 2019-07-17. Review status: criteria provided, single submitter. Criteria: Ambry Variant Classification Scheme 2023. Collection method: clinical testing. Allele origin: germline.
Comment: The p.D329N variant (also known as c.985G>A), located in coding exon 12 of the MED23 gene, results from a G to A substitution at nucleotide position 985. The aspartic acid at codon 329 is replaced by asparagine, an amino acid with highly similar properties. This amino acid position is well conserved in available vertebrate species. In addition, this alteration is predicted to be tolerated by in silico analysis. Since supporting evidence is limited at this time, the clinical significance of this alteration remains unclear.